The following is an entry in ClinVar:

ClinVar aggregate classification (germline): Uncertain significance. Review status: criteria provided, multiple submitters, no conflicts (2 of 4 stars). 3 submissions from 3 submitters: Uncertain significance (3). Last evaluated 2022-02-04.

Conditions:
Dilated cardiomyopathy 1G (CMD1G). Identifiers: Orphanet 154, MedGen C1858763, MONDO:0011400, OMIM 604145.
Autosomal recessive limb-girdle muscular dystrophy type 2J (LGMDR10). Also called: MUSCULAR DYSTROPHY, LIMB-GIRDLE, AUTOSOMAL RECESSIVE 10; Limb-girdle muscular dystrophy, type 2J. Identifiers: Orphanet 140922, MedGen C1837342, MONDO:0012127, OMIM 608807.
Myopathy, myofibrillar, 9, with early respiratory failure (MFM9). Also called: EDSTROM MYOPATHY; MYOPATHY, PROXIMAL, WITH EARLY RESPIRATORY MUSCLE INVOLVEMENT; Myopathy, distal, with early respiratory failure, autosomal dominant; Hereditary myopathy with early respiratory failure. Identifiers: Orphanet 178464, Orphanet 34521, MedGen C1863599, MONDO:0011362, OMIM 603689.
Early-onset myopathy with fatal cardiomyopathy (CMYO5). Also called: CONGENITAL MYOPATHY 5 WITH CARDIOMYOPATHY; Salih Myopathy. Identifiers: Orphanet 289377, MedGen C2673677, MONDO:0012714, OMIM 611705. Disease mechanism: loss of function.
Hypertrophic cardiomyopathy 9. Also called: Familial hypertrophic cardiomyopathy 9. Identifiers: MedGen C1861065, MONDO:0013412, OMIM 613765.
Tibial muscular dystrophy (TMD). Also called: UDD MYOPATHY; Tibial muscular dystrophy, tardive; Udd Distal Myopathy – Tibial Muscular Dystrophy. Identifiers: Orphanet 609, MedGen C1838244, MONDO:0010870, OMIM 600334.

Allele frequency attached by ClinVar (database versions not stated): gnomAD exomes 0.00002; TOPMed 0.00002; ExAC 0.00003.
gnomAD v4.1: 30 of 1,607,658 alleles (0.0019%); highest among the groups gnomAD compares: Admixed American, 0.0017%; no homozygotes.

Submissions (3):

Fulgent Genetics
Classification: Uncertain significance for Tibial muscular dystrophy; Myopathy, myofibrillar, 9, with early respiratory failure; Dilated cardiomyopathy 1G; Autosomal recessive limb-girdle muscular dystrophy type 2J; Early-onset myopathy with fatal cardiomyopathy; Hypertrophic cardiomyopathy 9. Last evaluated: 2022-02-04. Review status: criteria provided, single submitter. Criteria: ACMG Guidelines, 2015. Collection method: clinical testing. Allele origin: unknown.

Labcorp Genetics (formerly Invitae), Labcorp
Classification: Uncertain significance for Dilated cardiomyopathy 1G; Autosomal recessive limb-girdle muscular dystrophy type 2J. Last evaluated: 2017-10-10. Review status: criteria provided, single submitter. Criteria: Invitae Variant Classification Sherloc (09022015). Collection method: clinical testing. Allele origin: germline.

Biesecker Lab/Clinical Genomics Section, National Institutes of Health
Classification: Uncertain significance. Last evaluated: 2013-06-24. Review status: criteria provided, single submitter. Criteria: Ng et al. (Circ Cardiovasc Genet. 2013). Collection method: research. Allele origin: unknown. Observed: 1 variant allele. Study: ClinSeq.
Comment: The study set was not selected for affection status in relation to any cancer. Pathogenicity categories were based on literature curation. See Pubmed ID:23861362 for details.

Medical sequencing

NM_001267550.2(TTN):c.39673C>T (p.Pro13225Ser)

Gene: TTN (titin; minus strand). Cytogenetic location: 2q31.2.
Variant type: single nucleotide variant.
Coding change: c.39673C>T on transcript NM_001267550.2 (MANE Select); coding-DNA position 39673, C replaced by T.
Protein change: p.Pro13225Ser; replaces proline 13225 with serine.
Molecular consequence: missense variant. On other transcripts: intron variant (3).
Genome position (GRCh38, 1-based): chr2:178,650,787, G>A on the plus strand (C>T on the coding strand, the complement: TTN is on the minus strand). VCF-style: chr2-178650787-G-A. GRCh37 (hg19) VCF-style: chr2-179515514-G-A.
Other names: c.35152C>T, p.Pro11718Ser (NM_001256850.1); c.32371C>T, p.Pro10791Ser (NM_133378.4); c.13283-8470C>T (NM_003319.4); c.13859-8470C>T (NM_133437.4); c.13658-8470C>T (NM_133432.3); short protein forms P10791S, P13225S, P11718S.
Identifiers: ClinVar variation 191978 (VCV000191978.4), dbSNP rs202240398, ClinGen allele CA238012.